The following is an entry in ClinVar:

ClinVar aggregate classification (germline): Pathogenic. Review status: reviewed by expert panel (3 of 4 stars). 2 submissions from 2 submitters: Pathogenic (1). 1 of the submissions does not count toward it. Last evaluated 2023-11-14.

Conditions:
T-B+ severe combined immunodeficiency due to JAK3 deficiency. Also called: SCID, autosomal recessive, T-negative/B-positive type; SCID, T CELL-NEGATIVE, B CELL-POSITIVE, NK CELL-NEGATIVE. Identifiers: Orphanet 35078, MedGen C1833275, MONDO:0010938, OMIM 600802.

gnomAD v4.1: 10 of 1,614,106 alleles (0.00062%); highest among the groups gnomAD compares: South Asian, 0.0011%; no homozygotes.

Submissions (2):

ClinGen Severe Combined Immunodeficiency Variant Curation Expert Panel, ClinGen
Classification: Pathogenic for T-B+ severe combined immunodeficiency due to JAK3 deficiency. Last evaluated: 2023-11-14. Review status: reviewed by expert panel. Criteria: ClinGen SCID ACMG Specifications JAK3 V1.0.0. Collection method: curation. Allele origin: germline. Inheritance: Autosomal recessive inheritance.
Comment: The c.1837C>T (p.Arg613Ter) (NM_000215.4) variant in JAK3 is a nonsense variant predicted to cause a premature stop codon in biologically-relevant-exon 14/24 leading to nonsense mediated decay in a gene in which loss-of-function is an established disease mechanism (PVS1). The filtering allele frequency (the upper threshold of the 95% CI of 3/113712) of the c.1837C>T variant in JAK3 is 0.000007010 for European (non-Finnish) chromosomes by gnomAD 2.1.1, which is lower than the ClinGen SCID VCEP threshold (<0.000115) for PM2_Supporting, and therefore meets this criterion (PM2_Supporting). At least one patient with this variant displayed: * Diagnostic criteria for SCID/Leaky SCID/Omenn syndrome met (0.5pt), *T-B+NK- lymphocyte subset profile (0.5pt), and *SCID phenotype corrected by JAK3 gene therapy WITHOUT CNV testing performed (1pt), totalizing 2 points, which is highly specific for SCID (PP4_moderate. PMID: 26321643). This variant has been detected in at least one individual with SCID, which is homozygous for the variant (0.5 pt) (PM3_Supporting. PMID: 26321643). One additional patient was found on Clinvar; however, the affected status is unknown. In summary, this variant meets the criteria to be classified as Pathogenic for autosomal recessive SCID based on the ACMG/AMP criteria applied, as specified by the ClinGen SCID VCEP. Criteria applied: PVS1, PP4_moderate, PM2_supporting and PM3_supporting. (VCEP specifications version 1).

Labcorp Genetics (formerly Invitae), Labcorp
Classification: Pathogenic for T-B+ severe combined immunodeficiency due to JAK3 deficiency. Last evaluated: 2024-03-18. Review status: criteria provided, single submitter. Criteria: Invitae Variant Classification Sherloc (09022015). Collection method: clinical testing. Allele origin: germline. Not counted in ClinVar's aggregate classification.
Comment: This sequence change creates a premature translational stop signal (p.Arg613*) in the JAK3 gene. It is expected to result in an absent or disrupted protein product. Loss-of-function variants in JAK3 are known to be pathogenic (PMID: 7481768, 11668621). This variant is present in population databases (rs149316157, gnomAD 0.003%). This premature translational stop signal has been observed in individual(s) with severe combined immunodeficiency (PMID: 26321643, 27577878). ClinVar contains an entry for this variant (Variation ID: 644288). For these reasons, this variant has been classified as Pathogenic.

Literature cited by the submitters: PubMed 7481768 (cited by Labcorp Genetics (formerly Invitae), Labcorp); PubMed 11668621 (cited by Labcorp Genetics (formerly Invitae), Labcorp); PubMed 26321643 (cited by Labcorp Genetics (formerly Invitae), Labcorp); PubMed 27577878 (cited by Labcorp Genetics (formerly Invitae), Labcorp).

NM_000215.4(JAK3):c.1837C>T (p.Arg613Ter)

Gene: JAK3 (Janus kinase 3; minus strand). Cytogenetic location: 19p13.11.
Variant type: single nucleotide variant.
Coding change: c.1837C>T on transcript NM_000215.4 (MANE Select); coding-DNA position 1837, C replaced by T.
Protein change: p.Arg613Ter; replaces arginine 613 with a stop codon.
Molecular consequence: nonsense.
Genome position (GRCh38, 1-based): chr19:17,836,001, G>A on the plus strand (C>T on the coding strand, the complement: JAK3 is on the minus strand). VCF-style: chr19-17836001-G-A. GRCh37 (hg19) VCF-style: chr19-17946810-G-A.
Other names: NM_000215.4(JAK3):c.1837C>T; p.Arg613Ter; short protein forms R613*.
Identifiers: ClinVar variation 644288 (VCV000644288.10), dbSNP rs149316157, ClinGen allele CA306130937.